The following is an entry in ClinVar:

ClinVar aggregate classification (germline): Likely pathogenic (1 of 4 stars; one submission).

Conditions:
Pendred syndrome (PDS). Also called: DEAFNESS WITH GOITER; GOITER-DEAFNESS SYNDROME; HYPOTHYROIDISM, CONGENITAL, DUE TO DYSHORMONOGENESIS, 2B; THYROID DYSHORMONOGENESIS 2B; THYROID HORMONOGENESIS, GENETIC DEFECT IN, 2B; Pendred's syndrome. Identifiers: Orphanet 705, MedGen C0271829, MONDO:0010134, OMIM 274600.

Submission:

Natera, Inc.
Classification: Likely pathogenic for Pendred syndrome. Last evaluated: 2025-03-20. Review status: criteria provided, single submitter. Criteria: Natera Variant Classification Schema (03/2026). Collection method: clinical testing. Allele origin: germline.
Comment: The c.1216G>A variant in SLC26A4 is a missense variant predicted to cause substitution of alanine to threonine at amino acid 406. This variant is rare in the general population with a frequency below the threshold expected for the associated phenotype(s). This variant has been observed in one or more individuals affected with the associated recessive disease, as either homozygous or compound heterozygous with a second variant (PMID: 38474007). Functional studies show that this variant may disrupt protein function (PMID: 25372295). Computational prediction algorithms indicate this variant is likely to affect gene or protein function. Given the available evidence, this variant is classified as Likely Pathogenic.

Literature cited by the submitters: PubMed 38474007; PubMed 25372295.

NM_000441.2(SLC26A4):c.1216G>A (p.Ala406Thr)

Gene: SLC26A4 (solute carrier family 26 member 4; plus strand). Cytogenetic location: 7q22.3.
Variant type: single nucleotide variant.
Coding change: c.1216G>A on transcript NM_000441.2 (MANE Select); coding-DNA position 1216, G replaced by A.
Protein change: p.Ala406Thr; replaces alanine 406 with threonine.
Molecular consequence: missense variant.
Genome position (GRCh38, 1-based): chr7:107,690,190, G>A. VCF-style: chr7-107690190-G-A. GRCh37 (hg19) VCF-style: chr7-107330635-G-A.
Other names: short protein forms A406T.
Identifiers: ClinVar variation 4061677 (VCV004061677.2).